The following is an entry in ClinVar:

ClinVar aggregate classification (germline): Likely pathogenic (1 of 4 stars; one submission).

Submission:

Labcorp Genetics (formerly Invitae), Labcorp
Classification: Likely pathogenic. Last evaluated: 2022-01-17. Review status: criteria provided, single submitter. Criteria: Invitae Variant Classification Sherloc (09022015). Collection method: clinical testing. Allele origin: germline.
Comment: This sequence change affects a splice site in intron 12 of the HPS3 gene. It is expected to disrupt RNA splicing. Variants that disrupt the donor or acceptor splice site typically lead to a loss of protein function (PMID: 16199547), and loss-of-function variants in HPS3 are known to be pathogenic (PMID: 11590544). This variant is not present in population databases (gnomAD no frequency). This variant has not been reported in the literature in individuals affected with HPS3-related conditions. Algorithms developed to predict the effect of sequence changes on RNA splicing suggest that this variant may disrupt the consensus splice site. In summary, the currently available evidence indicates that the variant is pathogenic, but additional data are needed to prove that conclusively. Therefore, this variant has been classified as Likely Pathogenic.

Literature cited by the submitters: PubMed 16199547; PubMed 11590544.

NM_032383.5(HPS3):c.2292+1_2292+2insAATC

Gene: HPS3 (HPS3 biogenesis of lysosomal organelles complex 2 subunit 1; plus strand). Cytogenetic location: 3q24.
Variant type: Insertion.
Coding change: c.2292+1_2292+2insAATC on transcript NM_032383.5 (MANE Select); the canonical splice donor site of the intron after coding-DNA position 2292, AATC inserted.
Molecular consequence: splice donor variant.
Genome position: GRCh38 VCF-style: chr3-149162334-G-GAATC. GRCh37 (hg19) VCF-style: chr3-148880121-G-GAATC.
Other names: c.1797+1_1797+2insAATC (NM_001308258.2).
Identifiers: ClinVar variation 2086812 (VCV002086812.4), dbSNP rs2473120979, ClinGen allele CA2580068954.